The following is an entry in ClinVar:

ClinVar aggregate classification (germline): Uncertain significance. Review status: criteria provided, multiple submitters, no conflicts (2 of 4 stars). 6 submissions from 6 submitters: Uncertain significance (5). 1 of the submissions does not count toward it. Last evaluated 2025-07-09.

Conditions:
Hereditary cancer-predisposing syndrome. Also called: Hereditary neoplastic syndrome; Neoplastic Syndromes, Hereditary; Tumor predisposition; Hereditary Cancer Syndrome. Identifiers: Orphanet 140162, MedGen C0027672, MeSH D009386, MONDO:0015356.
Familial cancer of breast. Also called: Hereditary breast cancer; hereditary breast carcinoma; BREAST CANCER, FAMILIAL. Identifiers: Orphanet 227535, MedGen C0346153, MONDO:0016419, OMIM 114480. Disease mechanism: loss of function.
Ataxia-telangiectasia syndrome (AT). Also called: Ataxia telangiectasia (A-T); LOUIS-BAR SYNDROME; Cerebello-oculocutaneous telangiectasia; Immunodeficiency with ataxia telangiectasia; Ataxia-telangiectasia, complementation group D; AT, COMPLEMENTATION GROUP C. Identifiers: Orphanet 100, MedGen C0004135, MONDO:0008840, OMIM 208900.

Allele frequency attached by ClinVar (database versions not stated): gnomAD exomes below 0.00001 and 0.00001; TOPMed below 0.00001.
gnomAD v4.1: 5 of 1,613,540 alleles (0.00031%); highest among the groups gnomAD compares: East Asian, 0.0022%; no homozygotes.

Submissions (6):

Labcorp Genetics (formerly Invitae), Labcorp
Classification: Uncertain significance for Ataxia-telangiectasia syndrome. Last evaluated: 2025-07-09. Review status: criteria provided, single submitter. Criteria: Invitae Variant Classification Sherloc (09022015). Collection method: clinical testing. Allele origin: germline.
Comment: This sequence change replaces lysine, which is basic and polar, with arginine, which is basic and polar, at codon 1728 of the ATM protein (p.Lys1728Arg). This variant is present in population databases (no rsID available, gnomAD 0.007%). This variant has not been reported in the literature in individuals affected with ATM-related conditions. ClinVar contains an entry for this variant (Variation ID: 407577). Invitae Evidence Modeling of protein sequence and biophysical properties (such as structural, functional, and spatial information, amino acid conservation, physicochemical variation, residue mobility, and thermodynamic stability) indicates that this missense variant is not expected to disrupt ATM protein function with a negative predictive value of 95%. RNA analysis performed to evaluate the impact of this missense change on mRNA splicing indicates it does not significantly alter splicing (internal data). In summary, the available evidence is currently insufficient to determine the role of this variant in disease. Therefore, it has been classified as a Variant of Uncertain Significance.

Ambry Genetics
Classification: Uncertain significance for Hereditary cancer-predisposing syndrome. Last evaluated: 2025-04-12. Review status: criteria provided, single submitter. Criteria: Ambry Variant Classification Scheme 2023. Collection method: clinical testing. Allele origin: germline.
Comment: The p.K1728R variant (also known as c.5183A>G), located in coding exon 34 of the ATM gene, results from an A to G substitution at nucleotide position 5183. The lysine at codon 1728 is replaced by arginine, an amino acid with highly similar properties. This amino acid position is not well conserved in available vertebrate species. In addition, this alteration is predicted to be tolerated by in silico analysis. Since supporting evidence is limited at this time, the clinical significance of this alteration remains unclear.

Baylor Genetics
Classification: Uncertain significance for Familial cancer of breast. Last evaluated: 2024-02-18. Review status: criteria provided, single submitter. Criteria: ACMG Guidelines, 2015. Collection method: clinical testing. Allele origin: unknown.

Color Diagnostics, LLC DBA Color Health
Classification: Uncertain significance for Hereditary cancer-predisposing syndrome. Last evaluated: 2022-02-07. Review status: criteria provided, single submitter. Criteria: ACMG Guidelines, 2015. Collection method: clinical testing. Allele origin: germline.
Comment: This missense variant replaces lysine with arginine at codon 1728 of the ATM protein. Computational prediction suggests that this variant may not impact protein structure and function (internally defined REVEL score threshold <= 0.5, PMID: 27666373). To our knowledge, functional studies have not been reported for this variant. This variant has been reported in individual affected with breast and/or ovarian cancer (PMID: 32068069) as well as in a healthy control (PMID: 33471991). This variant has been identified in 3/251156 chromosomes in the general population by the Genome Aggregation Database (gnomAD). The available evidence is insufficient to determine the role of this variant in disease conclusively. Therefore, this variant is classified as a Variant of Uncertain Significance.

Sema4
Classification: Uncertain significance for Hereditary cancer-predisposing syndrome. Last evaluated: 2021-07-07. Review status: criteria provided, single submitter. Criteria: Sema4 Curation Guidelines. Collection method: curation. Allele origin: germline.
Comment: The ATM c.5183A>G (p.K1728R) variant has not been reported in literature to our knowledge. This variant was observed in 1/16254 chromosomes in the African/African American population, according to the Genome Aggregation Database (PMID: 32461654). This variant has been reported in ClinVar (Variation ID 407577). In silico tools suggest the impact of the variant on protein function is inconclusive, though these predictions have not been confirmed by functional studies. The overall evidence is insufficient to meet ACMG/AMP criteria for classifying it as benign or pathogenic. In summary, the clinical significance of this variant is currently uncertain.

Natera, Inc.
Classification: Uncertain significance for Ataxia-telangiectasia. Last evaluated: 2020-12-13. Review status: no assertion criteria provided. Collection method: clinical testing. Allele origin: germline. Not counted in ClinVar's aggregate classification.

Literature cited by the submitters: PubMed 32068069 (cited by Color Diagnostics, LLC DBA Color Health); PubMed 33471991 (cited by Color Diagnostics, LLC DBA Color Health).

NM_000051.4(ATM):c.5183A>G (p.Lys1728Arg)

Gene: ATM (ATM serine/threonine kinase; plus strand). Cytogenetic location: 11q22.3.
Variant type: single nucleotide variant.
Coding change: c.5183A>G on transcript NM_000051.4 (MANE Select); coding-DNA position 5183, A replaced by G.
Protein change: p.Lys1728Arg; replaces lysine 1728 with arginine.
Molecular consequence: missense variant.
Genome position (GRCh38, 1-based): chr11:108,301,653, A>G. VCF-style: chr11-108301653-A-G. GRCh37 (hg19) VCF-style: chr11-108172380-A-G.
Other names: c.5183A>G, p.Lys1728Arg (NM_001351834.2); short protein forms K1728R.
Identifiers: ClinVar variation 407577 (VCV000407577.20), dbSNP rs1060501613, ClinGen allele CA16613366.